The following is an entry in ClinVar:

ClinVar aggregate classification (germline): Pathogenic. Review status: criteria provided, multiple submitters, no conflicts (2 of 4 stars). 44 submissions from 39 submitters: Pathogenic (35). 9 of the submissions do not count toward it. Last evaluated 2026-03-24.

Conditions:
Possible mitochondrial disorder - nuclear genes.
Mitochondrial DNA maintenance disorder.
Mitochondrial DNA depletion syndrome 1. Also called: Mitochondrial neurogastrointestinal encephalomyopathy syndrome; POLIP SYNDROME; POLYNEUROPATHY, OPHTHALMOPLEGIA, LEUKOENCEPHALOPATHY, AND INTESTINAL PSEUDOOBSTRUCTION; Mitochondrial DNA Depletion Syndrome, MNGIE Form; Mitochondrial Neurogastrointestinal Encephalopathy Disease; MITOCHONDRIAL NEUROGASTROINTESTINAL ENCEPHALOPATHY SYNDROME, TYMP-RELATED. Identifiers: Orphanet 298, MedGen C4551995, MONDO:0011283, OMIM 603041.
Sensory ataxic neuropathy, dysarthria, and ophthalmoparesis (SANDO). Also called: Epilepsy, progressive myoclonic, type 5; SENSORY ATAXIC NEUROPATHY WITH MITOCHONDRIAL DNA DELETIONS, AUTOSOMAL RECESSIVE; Sensory ataxic neuropathy-dysarthria-ophthalmoparesis syndrome; Ataxia Neuropathy Spectrum (ANS). Identifiers: Orphanet 70595, MedGen C1843851, MONDO:0011835, OMIM 607459.
Progressive external ophthalmoplegia with mitochondrial DNA deletions, autosomal dominant 1 (PEOA1). Also called: Autosomal Dominant Progressive External Ophthalmoplegia (adPEO); PROGRESSIVE EXTERNAL OPHTHALMOPLEGIA, AUTOSOMAL DOMINANT 1. Identifiers: MedGen C1834846, MONDO:0024528, OMIM 157640.
Progressive sclerosing poliodystrophy (MTDPS4A). Also called: Alpers-Huttenlocher Syndrome; Mitochondrial DNA Depletion Syndrome 4A; NEURONAL DEGENERATION OF CHILDHOOD WITH LIVER DISEASE, PROGRESSIVE; Alpers-Huttenlocher Syndrome (AHS); ALPERS PROGRESSIVE INFANTILE POLIODYSTROPHY; ALPERS DIFFUSE DEGENERATION OF CEREBRAL GRAY MATTER WITH HEPATIC CIRRHOSIS. Identifiers: Orphanet 726, MedGen C0205710, MONDO:0008758, OMIM 203700.
Mitochondrial DNA depletion syndrome 4b. Also called: Mitochondrial Neurogastrointestinal Encephalopathy Disease, POLG-Related; MNGIE, POLG-RELATED. Identifiers: Orphanet 298, MedGen C3150914, MONDO:0013350, OMIM 613662.
Progressive external ophthalmoplegia with mitochondrial DNA deletions, autosomal recessive 1 (PEOB1). Also called: Autosomal Recessive Progressive External Ophthalmoplegia (arPEO); Progressive external ophthalmoplegia, autosomal recessive 1. Identifiers: Orphanet 254886, MedGen C4225153, MONDO:0009783, OMIM 258450.
Mitochondrial DNA depletion syndrome. Also called: mitochondrial DNA depletion. Identifiers: Orphanet 35698, MedGen C0342782, MONDO:0018158.
POLG-related disorder. Also called: POLG-related condition; POLG-Related Disorders; POLG-Related Spectrum Disorders. Identifiers: MedGen C4763519.
Inborn genetic diseases. Identifiers: MedGen C0950123, MeSH D030342.
Hereditary spastic paraplegia. Also called: Familial spastic paraparesis. Identifiers: Orphanet 685, MedGen C0037773, MONDO:0019064. Disease mechanism: loss of function.
Mitochondrial disease. Also called: Mitochondrial disorders; Mitochondrial disorder. Identifiers: Orphanet 68380, MedGen C0751651, MeSH D028361, MONDO:0044970.
Progressive external ophthalmoplegia with mitochondrial DNA deletions, digenic. Identifiers: MedGen C1868097.

Allele frequency attached by ClinVar (database versions not stated): gnomAD exomes 0.00015 and 0.00032; ExAC 0.00016; TOPMed 0.00018; 1000 Genomes Project 0.00020; gnomAD 0.00028; 1000 Genomes Project 30x 0.00031.
gnomAD v4.1: 498 of 1,614,136 alleles (0.031%); highest among the groups gnomAD compares: Non-Finnish European, 0.039%; no homozygotes.

Submissions 1 to 10 of 44:

Genetics Laboratory, Great Ormond Street Hospital NHS Foundation Trust, North Thames Genomic Laboratory Hub
Classification: Pathogenic for Mitochondrial DNA maintenance disorder. Last evaluated: 2026-03-24. Review status: criteria provided, single submitter. Criteria: ACGS Best Practice Guidelines for Variant Classification in Rare Disease 2024 v1.2. Collection method: clinical testing. Allele origin: germline. Affected: yes.
Comment: PM2_moderate, PP3_supporting, PM3_very-strong

PreventionGenetics, part of Exact Sciences
Classification: Pathogenic for POLG-related condition. Last evaluated: 2026-03-06. Review status: criteria provided, single submitter. Criteria: ACMG Guidelines, 2015. Collection method: clinical testing. Allele origin: germline.
Comment: The POLG c.2542G>A variant is predicted to result in the amino acid substitution p.Gly848Ser. This variant has been reported with a second POLG variant in individuals with autosomal recessive POLG-related disorders, such as sensory ataxia neuropathy with dysarthria/dysphagia and ophthalmoplegia (SANDO), Alpers Syndrome, Leigh-like syndrome, intractable epilepsy, and progressive external ophthalmoplegia (see, for example, Lamantea et al. 2002. PubMed ID: 12210792; Gáti et al. 2011. PubMed ID: 22616202; Uusimaa et al. 2013. PubMed ID: 23448099; Simon et al. 2014. PubMed ID: 24272679). In experimental studies, the p.Gly848Ser variant protein retained less than 1% of catalytic activity compared to the wild type enzyme (Kasiviswanathan et al. 2009. PubMed ID: 19478085). This variant is reported in 0.031% of alleles in individuals of European (non-Finnish) descent in gnomAD. This variant is interpreted as pathogenic.

Genetics Laboratory, Great Ormond Street Hospital NHS Foundation Trust, North Thames Genomic Laboratory Hub
Classification: Pathogenic for Possible mitochondrial disorder - nuclear genes. Last evaluated: 2026-02-17. Review status: criteria provided, single submitter. Criteria: ACGS Best Practice Guidelines for Variant Classification in Rare Disease 2024 v1.2. Collection method: clinical testing. Allele origin: germline. Affected: yes.
Comment: the same text as in the submission from Genetics Laboratory, Great Ormond Street Hospital NHS Foundation Trust, North Thames Genomic Laboratory Hub above.

Labcorp Genetics (formerly Invitae), Labcorp
Classification: Pathogenic for Progressive sclerosing poliodystrophy. Last evaluated: 2026-02-02. Review status: criteria provided, single submitter. Criteria: Invitae Variant Classification Sherloc (09022015). Collection method: clinical testing. Allele origin: germline.
Comment: This sequence change replaces glycine, which is neutral and non-polar, with serine, which is neutral and polar, at codon 848 of the POLG protein (p.Gly848Ser). This variant is present in population databases (rs113994098, gnomAD 0.03%). This missense change has been observed in individuals with autosomal recessive POLG-related conditions (PMID: 12872260, 17426723, 18500570, 21670405, 21880868, 22006280, 22189570, 22342071, 22616202). ClinVar contains an entry for this variant (Variation ID: 13502). Invitae Evidence Modeling of protein sequence and biophysical properties (such as structural, functional, and spatial information, amino acid conservation, physicochemical variation, residue mobility, and thermodynamic stability) indicates that this missense variant is expected to disrupt POLG protein function with a positive predictive value of 95%. Experimental studies have shown that this missense change affects POLG function (PMID: 17980715, 19478085). For these reasons, this variant has been classified as Pathogenic.

Rady Children's Institute for Genomic Medicine, Rady Children's Hospital San Diego
Classification: Pathogenic for POLG-related disorders. Last evaluated: 2025-08-29. Review status: criteria provided, single submitter. Criteria: ACMG Guidelines, 2015. Collection method: clinical testing. Allele origin: germline. Affected: yes.
Comment: Missense variation is an established mechanism of disease for POLG-related disorders (PMID: 20301791). This variant has been previously reported as a compound heterozygous or homozygous change in multiple patients with autosomal recessive POLG-related disorders including Alpers-Huttenlocher syndrome, sensory ataxic neuropathy, optic atrophy, and early onset epileptic encephalopathy (PMID: 12210792, 22189570, 23448099, 30552426, 30423451, 29655203). A different amino acid change at the same residue (p.Gly848Ala) has been previously reported in an individual with POLG-related sensory ataxic neuropathy with dysarthria and ophthalmoparesis (PMID: 33791913). The c.2542G>A (p.Gly848Ser) variant affects a highly conserved amino acid and is predicted by multiple in silico tools to have a deleterious effect on protein function. Functional studies indicate that this variant leads to <1% polymerase activity, defects in DNA binding function, and mtDNA instability (PMID: 19478085, 17980715). The c.2542G>A (p.Gly848Ser) variant is present in the latest version of the gnomAD population database at an allele frequency of 0.03% (498/1614136), and is absent in the homozygous state, thus is presumed to be rare. Based on the available evidence, c.2542G>A (p.Gly848Ser) is classified as Pathogenic.

Mayo Clinic Laboratories, Mayo Clinic
Classification: Pathogenic. Last evaluated: 2025-01-02. Review status: criteria provided, single submitter. Criteria: ACMG Guidelines, 2015. Collection method: clinical testing. Allele origin: germline. Observed: 7 variant alleles.
Comment: PP3, PM3_strong, PS3, PS4_moderate

CeGaT Center for Human Genetics Tuebingen
Classification: Pathogenic. Last evaluated: 2025-01-01. Review status: criteria provided, single submitter. Criteria: CeGaT Center For Human Genetics Tuebingen Variant Classification Criteria Version 2. Collection method: clinical testing. Allele origin: germline. Affected: yes. Observed: 12 variant alleles.
Comment: POLG: PM3:Very Strong, PM2, PP4:Moderate, PP3, PS3:Supporting

Blueprint Genetics
Classification: Pathogenic for POLG-related disorders. Last evaluated: 2024-11-13. Review status: criteria provided, single submitter. Criteria: ACMG Guidelines, 2015. Collection method: clinical testing. Allele origin: germline. Affected: yes. Observed: 5 variant alleles.

Fulgent Genetics
Classification: Pathogenic for Progressive external ophthalmoplegia with mitochondrial DNA deletions, autosomal dominant 1; Progressive sclerosing poliodystrophy; Progressive external ophthalmoplegia with mitochondrial DNA deletions, autosomal recessive 1; Sensory ataxic neuropathy, dysarthria, and ophthalmoparesis; Mitochondrial DNA depletion syndrome 4b. Last evaluated: 2024-05-29. Review status: criteria provided, single submitter. Criteria: ACMG Guidelines, 2015. Collection method: clinical testing. Allele origin: germline.

Baylor Genetics
Classification: Pathogenic for Progressive sclerosing poliodystrophy. Last evaluated: 2024-03-27. Review status: criteria provided, single submitter. Criteria: ACMG Guidelines, 2015. Collection method: clinical testing. Allele origin: unknown.

NM_002693.3(POLG):c.2542G>A (p.Gly848Ser)

Gene: POLG (DNA polymerase gamma, catalytic subunit; minus strand). Cytogenetic location: 15q26.1.
Variant type: single nucleotide variant.
Coding change: c.2542G>A on transcript NM_002693.3 (MANE Select); coding-DNA position 2542, G replaced by A.
Protein change: p.Gly848Ser; replaces glycine 848 with serine.
Molecular consequence: missense variant.
Genome position (GRCh38, 1-based): chr15:89,321,792, C>T on the plus strand (G>A on the coding strand, the complement: POLG is on the minus strand). VCF-style: chr15-89321792-C-T. GRCh37 (hg19) VCF-style: chr15-89865023-C-T.
Other names: p.G848S:GGC>AGC; NM_001126131.1(POLG):c.2542G>A(p.Gly848Ser); NM_002693.2(POLG):c.2542G>A(p.Gly848Ser); c.2542G>A, p.Gly848Ser (NM_001126131.2); c.2542G>A (LRG_765t1); short protein forms G848S.
Identifiers: ClinVar variation 13502 (VCV000013502.108), dbSNP rs113994098, ClinGen allele CA123144.